The following is an entry in ClinVar:

NM_001386298.1(CIC):c.4087+1G>C

Gene: CIC (capicua transcriptional repressor; plus strand). Cytogenetic location: 19q13.2.
Variant type: single nucleotide variant.
Coding change: c.4087+1G>C on transcript NM_001386298.1 (MANE Select); the canonical splice donor site of the intron after coding-DNA position 4087, G replaced by C.
Molecular consequence: splice donor variant.
Genome position (GRCh38, 1-based): chr19:42,289,407, G>C. VCF-style: chr19-42289407-G-C. GRCh37 (hg19) VCF-style: chr19-42793559-G-C.
Other names: c.4087+1G>C (NM_001304815.2, NM_001379482.1, NM_001379480.1); c.1360+1G>C (NM_015125.5, NM_001379484.1, NM_001379485.1).
Identifiers: ClinVar variation 3833420 (VCV003833420.1).

ClinVar aggregate classification (germline): Uncertain significance (1 of 4 stars; one submission).

Conditions:
Inborn genetic diseases. Identifiers: MedGen C0950123, MeSH D030342.

Submission:

Ambry Genetics
Classification: Uncertain significance for Inborn genetic diseases. Last evaluated: 2025-03-07. Review status: criteria provided, single submitter. Criteria: Ambry Variant Classification Scheme 2023. Collection method: clinical testing. Allele origin: germline.
Comment: The c.1360+1G>C intronic alteration consists of a G to C substitution one nucleotide after coding exon 8 of the CIC gene. Alterations that disrupt the canonical splice site are expected to result in aberrant splicing. The resulting transcript is predicted to be in-frame and is not expected to trigger nonsense-mediated mRNA decay, although direct evidence is unavailable. This variant was not reported in population-based cohorts in the Genome Aggregation Database (gnomAD). This nucleotide position is highly conserved in available vertebrate species. In silico splice site analysis predicts that this alteration will weaken the native splice donor site and will result in the creation or strengthening of a novel splice donor site. Based on insufficient or conflicting evidence, the clinical significance of this alteration remains unclear.